The following is an entry in ClinVar:

NM_004924.6(ACTN4):c.1149C>G (p.Ile383Met)

Gene: ACTN4 (actinin alpha 4; plus strand). Cytogenetic location: 19q13.2.
Variant type: single nucleotide variant.
Coding change: c.1149C>G on transcript NM_004924.6 (MANE Select); coding-DNA position 1149, C replaced by G.
Protein change: p.Ile383Met; replaces isoleucine 383 with methionine.
Molecular consequence: missense variant.
Genome position (GRCh38, 1-based): chr19:38,717,932, C>G. VCF-style: chr19-38717932-C-G. GRCh37 (hg19) VCF-style: chr19-39208572-C-G.
Other names: c.1149C>G, p.Ile383Met (NM_001322033.2, NM_001411143.1); short protein forms I383M.
Identifiers: ClinVar variation 3066246 (VCV003066246.1), dbSNP rs755318100, ClinGen allele CA9417543.

ClinVar aggregate classification (germline): Uncertain significance (1 of 4 stars; one submission).

Conditions:
Focal segmental glomerulosclerosis 1 (FSGS1). Identifiers: Orphanet 656, MedGen C4551527, MONDO:0011303, OMIM 603278.

Allele frequency attached by ClinVar (database versions not stated): gnomAD exomes below 0.00001; ExAC 0.00002.
gnomAD v4.1: 2 of 1,599,440 alleles (0.00013%); highest among the groups gnomAD compares: Non-Finnish European, 0.00017%; no homozygotes.

Submission:

MVZ Medizinische Genetik Mainz
Classification: Uncertain significance for Focal segmental glomerulosclerosis 1. Last evaluated: 2024-03-01. Review status: criteria provided, single submitter. Criteria: UK Practice Guidelines For Variant Classification V4 01 2020. Collection method: clinical testing. Allele origin: germline. Inheritance: Autosomal dominant inheritance. Affected: yes. Observed: 1 variant allele.
Comment: ACMG Criteria: PS4_SUP,PM2_SUP